The following is an entry in ClinVar:

ClinVar aggregate classification (germline): Benign/Likely benign. Review status: criteria provided, multiple submitters, no conflicts (2 of 4 stars). 4 submissions from 4 submitters: Benign (2); Likely benign (2). Last evaluated 2026-06-01.

Allele frequency attached by ClinVar (database versions not stated): ESP Exome Variant Server 0.00131; gnomAD 0.00140 and 0.00149; TOPMed 0.00152; 1000 Genomes Project 30x 0.00156; 1000 Genomes Project 0.00180.
gnomAD v4.1: 2,520 of 1,610,522 alleles (0.16%); highest among the groups gnomAD compares: Admixed American, 0.21%; no homozygotes.

Submissions (4):

CeGaT Center for Human Genetics Tuebingen
Classification: Likely benign. Last evaluated: 2026-06-01. Review status: criteria provided, single submitter. Criteria: CeGaT Center For Human Genetics Tuebingen Variant Classification Criteria Version 2. Collection method: clinical testing. Allele origin: germline. Affected: yes. Observed: 4 variant alleles.
Comment: CSNK2A1: BS1

Blueprint Genetics
Classification: Likely benign. Last evaluated: 2024-11-28. Review status: criteria provided, single submitter. Criteria: ACMG Guidelines, 2015. Collection method: clinical testing. Allele origin: germline.

GeneDx
Classification: Benign. Last evaluated: 2019-10-14. Review status: criteria provided, single submitter. Criteria: GeneDx Variant Classification Process June 2021. Collection method: clinical testing. Allele origin: germline. Affected: yes.

Breakthrough Genomics
Classification: Benign. Review status: criteria provided, single submitter. Criteria: ACMG Guidelines, 2015. Collection method: not provided. Allele origin: germline. Inheritance: Autosomal dominant inheritance. Affected: yes.

NM_177559.3(CSNK2A1):c.*1C>T

Gene: CSNK2A1 (casein kinase 2 alpha 1; minus strand). Cytogenetic location: 20p13.
Variant type: single nucleotide variant.
Coding change: c.*1C>T on transcript NM_177559.3 (MANE Select); 1 bases downstream of the stop codon, C replaced by T.
Molecular consequence: 3 prime UTR variant.
Genome position (GRCh38, 1-based): chr20:483,960, G>A on the plus strand (C>T on the coding strand, the complement: CSNK2A1 is on the minus strand). VCF-style: chr20-483960-G-A. GRCh37 (hg19) VCF-style: chr20-464604-G-A.
Other names: c.*1C>T (NM_001362770.2, NM_001362771.2, NM_001895.4 and 1 more transcripts).
Identifiers: ClinVar variation 1264567 (VCV001264567.28), dbSNP rs142680688, ClinGen allele CA9723773.